The following is an entry in ClinVar:

ClinVar aggregate classification (germline): Pathogenic. Review status: criteria provided, single submitter (1 of 4 stars). 2 submissions from 2 submitters: Pathogenic (1). 1 of the submissions does not count toward it. Last evaluated 2017-10-09.

Conditions:
Tuberous sclerosis syndrome (TSC). Also called: Tuberous Sclerosis Complex; Tuberous sclerosis. Identifiers: Orphanet 805, MedGen C0041341, MONDO:0001734.

Submissions (2):

GeneDx
Classification: Pathogenic. Last evaluated: 2017-10-09. Review status: criteria provided, single submitter. Criteria: GeneDx Variant Classification (06012015). Collection method: clinical testing. Allele origin: germline. Affected: yes.
Comment: The c.4730delG variant in the TSC2 gene has been reported previously in an individual with a clinical diagnosis of TSC (TSC2 LOVD). The c.4730delG pathogenic variant causes a frameshift starting with codon Glycine 1577, changes this amino acid to an Alanine residue and creates a premature Stop codon at position 8 of the new reading frame, denoted p.Gly1577AlafsX8. This pathogenic variant is predicted to cause loss of normal protein function either through protein truncation or nonsense-mediated mRNA decay. Furthermore, it was not observed in large population cohorts (Lek et al., 2016). Therefore, the presence of c.4730delG is consistent with the diagnosis of TSC in this individual.

Tuberous sclerosis database (TSC2)
No classification provided. Condition: TSC. Review status: no classification provided. Criteria: Tuberous Sclerosis Database Assertion Criteria 2015. Collection method: curation. Allele origin: germline. Affected: yes. Not counted in ClinVar's aggregate classification.

NM_000548.5(TSC2):c.4730del (p.Gly1577fs)

Gene: TSC2 (TSC complex subunit 2; plus strand). Cytogenetic location: 16p13.3.
Variant type: Deletion.
Coding change: c.4730del on transcript NM_000548.5 (MANE Select); coding-DNA position 4730, one base deleted (G; older notation c.4730delG).
Protein change: p.Gly1577fs; shifts the reading frame from glycine 1577.
Molecular consequence: frameshift variant.
Genome position (GRCh38, 1-based): chr16:2,086,260, G deleted; the last of 3 consecutive G bases (chr16:2,086,258-2,086,260); deleting any one gives the same sequence. VCF-style (leftmost placement, unchanged base first): chr16-2086257-CG-C. GRCh37 (hg19) VCF-style: chr16-2136258-CG-C.
Other names: c.4529del, p.Gly1510fs (NM_001077183.3); c.4661del, p.Gly1554fs (NM_001114382.3); c.4421del, p.Gly1474fs (NM_001318827.2); c.4385del, p.Gly1462fs (NM_001318829.2); c.3998del, p.Gly1333fs (NM_001318831.2); c.4562del, p.Gly1521fs (NM_001318832.2); c.4532del, p.Gly1511fs (NM_001363528.2); c.4598del, p.Gly1533fs (NM_001370404.1); and 1 more; short protein forms G1333fs, G1462fs, G1521fs, G1474fs, G1511fs, G1554fs, G1510fs, G1533fs.
Identifiers: ClinVar variation 65239 (VCV000065239.3), dbSNP rs397515173, ClinGen allele CA020957.
Genomic context (GRCh38, chr16:2,086,257, plus strand): 5'-ACAGCGAGCTCGCCATCCTGTCCAATGAGCATGGCTCCTACAGGTACACGGAGTTCCTGA[CG>C]GGCCTGGGCCGGCTCATCGAGCTGAAGGACTGCCAGCCGGACAAGGTGTACCTGGGAGGC-3'